The following is an entry in ClinVar:

NM_004380.3(CREBBP):c.501C>T (p.Ala167=)

Gene: CREBBP (CREB binding lysine acetyltransferase; minus strand). Cytogenetic location: 16p13.3.
Variant type: single nucleotide variant.
Coding change: c.501C>T on transcript NM_004380.3 (MANE Select); coding-DNA position 501, C replaced by T.
Protein change: p.Ala167=; no amino-acid change (alanine 167 retained).
Molecular consequence: synonymous variant.
Genome position (GRCh38, 1-based): chr16:3,850,594, G>A on the plus strand (C>T on the coding strand, the complement: CREBBP is on the minus strand). VCF-style: chr16-3850594-G-A. GRCh37 (hg19) VCF-style: chr16-3900595-G-A.
Other names: c.501C>T (NM_004380.2); c.501C>T, p.Ala167= (NM_001079846.1).
Identifiers: ClinVar variation 1338184 (VCV001338184.13), dbSNP rs376613398, ClinGen allele CA7870661.

ClinVar aggregate classification (germline): Likely benign. Review status: criteria provided, multiple submitters, no conflicts (2 of 4 stars). 3 submissions from 3 submitters: Likely benign (2). 1 of the submissions does not count toward it. Last evaluated 2023-11-18.

Conditions:
CREBBP-related disorder. Also called: CREBBP-related disorders; CREBBP-related condition.
Rubinstein-Taybi syndrome (RSTS). Identifiers: Orphanet 783, MedGen C0035934, MONDO:0019188.

Allele frequency attached by ClinVar (database versions not stated): ExAC 0.00001; gnomAD 0.00001; gnomAD exomes 0.00001 and 0.00002; TOPMed 0.00002; ESP Exome Variant Server 0.00008.
gnomAD v4.1: 39 of 1,614,126 alleles (0.0024%); highest among the groups gnomAD compares: Non-Finnish European, 0.0029%; no homozygotes.

Submissions (3):

Labcorp Genetics (formerly Invitae), Labcorp
Classification: Likely benign for Rubinstein-Taybi syndrome. Last evaluated: 2023-11-18. Review status: criteria provided, single submitter. Criteria: Invitae Variant Classification Sherloc (09022015). Collection method: clinical testing. Allele origin: germline.

Genetic Services Laboratory, University of Chicago
Classification: Likely benign. Last evaluated: 2021-11-19. Review status: criteria provided, single submitter. Criteria: ACMG Guidelines, 2015. Collection method: clinical testing. Allele origin: germline. Affected: no.

PreventionGenetics, part of Exact Sciences
Classification: Likely benign for CREBBP-related condition. Last evaluated: 2021-12-10. Review status: no assertion criteria provided. Collection method: clinical testing. Allele origin: germline. Not counted in ClinVar's aggregate classification.
Comment: This variant is classified as likely benign based on ACMG/AMP sequence variant interpretation guidelines (Richards et al. 2015 PMID: 25741868, with internal and published modifications).